The following is an entry in ClinVar:

NM_002474.3(MYH11):c.2196G>A (p.Ala732=)

Gene: MYH11 (myosin heavy chain 11; minus strand). Cytogenetic location: 16p13.11.
Variant type: single nucleotide variant.
Coding change: c.2196G>A on transcript NM_002474.3 (MANE Select); coding-DNA position 2196, G replaced by A.
Protein change: p.Ala732=; no amino-acid change (alanine 732 retained).
Molecular consequence: synonymous variant.
Genome position (GRCh38, 1-based): chr16:15,747,928, C>T on the plus strand (G>A on the coding strand, the complement: MYH11 is on the minus strand). VCF-style: chr16-15747928-C-T. GRCh37 (hg19) VCF-style: chr16-15841785-C-T.
Other names: c.2217G>A, p.Ala739= (NM_001040113.2, NM_001040114.2); c.2196G>A, p.Ala732= (NM_022844.3).
Identifiers: ClinVar variation 629551 (VCV000629551.18), dbSNP rs199961254, ClinGen allele CA7922353.

ClinVar aggregate classification (germline): Likely benign. Review status: criteria provided, multiple submitters, no conflicts (2 of 4 stars). 6 submissions from 6 submitters: Likely benign (6). Last evaluated 2025-03-20.

Conditions:
Aortic aneurysm, familial thoracic 4 (AAT4). Also called: AORTIC ANEURYSM/AORTIC DISSECTION AND PATENT DUCTUS ARTERIOSUS. Identifiers: MedGen C1851504, MONDO:0007568, OMIM 132900.
Familial thoracic aortic aneurysm and aortic dissection (TAAD). Also called: Thoracic aortic aneurysms and dissections. Identifiers: Orphanet 91387, MedGen C4707243, MONDO:0019625.

Allele frequency attached by ClinVar (database versions not stated): gnomAD 0.00001; gnomAD exomes 0.00002; TOPMed 0.00002; ExAC 0.00003; 1000 Genomes Project 30x 0.00016; 1000 Genomes Project 0.00020.
gnomAD v4.1: 39 of 1,614,010 alleles (0.0024%); highest among the groups gnomAD compares: East Asian, 0.011%; no homozygotes.

Submissions (6):

Labcorp Genetics (formerly Invitae), Labcorp
Classification: Likely benign for Aortic aneurysm, familial thoracic 4. Last evaluated: 2025-03-20. Review status: criteria provided, single submitter. Criteria: Invitae Variant Classification Sherloc (09022015). Collection method: clinical testing. Allele origin: germline.

All of Us Research Program, National Institutes of Health
Classification: Likely benign for Familial thoracic aortic aneurysm and aortic dissection. Last evaluated: 2024-07-20. Review status: criteria provided, single submitter. Criteria: ACMG Guidelines, 2015. Collection method: clinical testing. Allele origin: germline. Inheritance: Autosomal dominant inheritance. Observed: 4 variant alleles, 4 heterozygotes.
Comment: This study involves interpretation of variants in research participants for the purpose of population health screening. Participant phenotype was not available at the time of variant classification. Additional details can be found in publication PMID: 35346344, PMCID: PMC8962531

Blueprint Genetics
Classification: Likely benign. Last evaluated: 2022-08-04. Review status: criteria provided, single submitter. Criteria: ACMG Guidelines, 2015. Collection method: clinical testing. Allele origin: germline.

GeneDx
Classification: Likely benign. Last evaluated: 2021-01-18. Review status: criteria provided, single submitter. Criteria: GeneDx Variant Classification Process June 2021. Collection method: clinical testing. Allele origin: germline. Affected: yes.

Ambry Genetics
Classification: Likely benign for Familial thoracic aortic aneurysm and aortic dissection. Last evaluated: 2020-06-15. Review status: criteria provided, single submitter. Criteria: Ambry Variant Classification Scheme 2023. Collection method: clinical testing. Allele origin: germline.

Color Diagnostics, LLC DBA Color Health
Classification: Likely benign for Familial thoracic aortic aneurysm and aortic dissection. Last evaluated: 2018-10-16. Review status: criteria provided, single submitter. Criteria: ACMG Guidelines, 2015. Collection method: clinical testing. Allele origin: germline.